The following is an entry in ClinVar:

ClinVar aggregate classification (germline): Uncertain significance (1 of 4 stars; one submission).

Conditions:
Gastrointestinal stromal tumor. Also called: Gastrointestinal stromal tumor, somatic; Gastrointestinal stroma tumor. Identifiers: Orphanet 44890, MedGen C0238198, MeSH D046152, MONDO:0011719, OMIM 606764, HP:0100723.

Submission:

Labcorp Genetics (formerly Invitae), Labcorp
Classification: Uncertain significance for Gastrointestinal stromal tumor. Last evaluated: 2019-07-18. Review status: criteria provided, single submitter. Criteria: Invitae Variant Classification Sherloc (09022015). Collection method: clinical testing. Allele origin: germline.
Comment: This sequence change replaces glycine with serine at codon 93 of the KIT protein (p.Gly93Ser). The glycine residue is highly conserved and there is a small physicochemical difference between glycine and serine. This variant is not present in population databases (ExAC no frequency). This variant has not been reported in the literature in individuals with KIT-related conditions. Algorithms developed to predict the effect of missense changes on protein structure and function (SIFT, PolyPhen-2, Align-GVGD) all suggest that this variant is likely to be disruptive, but these predictions have not been confirmed by published functional studies and their clinical significance is uncertain. In summary, the available evidence is currently insufficient to determine the role of this variant in disease. Therefore, it has been classified as a Variant of Uncertain Significance.

NM_000222.3(KIT):c.277G>A (p.Gly93Ser)

Gene: KIT (KIT proto-oncogene, receptor tyrosine kinase; plus strand). Cytogenetic location: 4q12.
Variant type: single nucleotide variant.
Coding change: c.277G>A on transcript NM_000222.3 (MANE Select); coding-DNA position 277, G replaced by A.
Protein change: p.Gly93Ser; replaces glycine 93 with serine.
Molecular consequence: missense variant.
Genome position (GRCh38, 1-based): chr4:54,695,721, G>A. VCF-style: chr4-54695721-G-A. GRCh37 (hg19) VCF-style: chr4-55561887-G-A.
Other names: c.277G>A, p.Gly93Ser (NM_001093772.2, NM_001385284.1, NM_001385285.1 and 4 more transcripts); short protein forms G93S.
Identifiers: ClinVar variation 949719 (VCV000949719.10), dbSNP rs1720020252, ClinGen allele CA356897227.